The following is an entry in ClinVar:

NM_000268.4(NF2):c.1118C>A (p.Ala373Glu)

Gene: NF2 (NF2, moesin-ezrin-radixin like (MERLIN) tumor suppressor; plus strand). Cytogenetic location: 22q12.2.
Variant type: single nucleotide variant.
Coding change: c.1118C>A on transcript NM_000268.4 (MANE Select); coding-DNA position 1118, C replaced by A.
Protein change: p.Ala373Glu; replaces alanine 373 with glutamic acid.
Molecular consequence: missense variant. On other transcripts: intron variant (1).
Genome position (GRCh38, 1-based): chr22:29,671,944, C>A. VCF-style: chr22-29671944-C-A. GRCh37 (hg19) VCF-style: chr22-30067933-C-A.
Other names: c.1004C>A, p.Ala335Glu (NM_001407053.1, NM_001407056.1); c.995C>A, p.Ala332Glu (NM_001407054.1, NM_001407058.1, NM_181829.3); c.992C>A, p.Ala331Glu (NM_001407055.1, NM_181828.3); c.983C>A, p.Ala328Glu (NM_001407057.1, NM_001407059.1); c.1118C>A, p.Ala373Glu (NM_001407060.1, NM_001407066.1, NM_016418.5 and 2 more transcripts); c.860C>A, p.Ala287Glu (NM_001407062.1); c.869C>A, p.Ala290Glu (NM_001407063.1, NM_001407064.1, NM_181830.3 and 1 more transcripts); c.584C>A, p.Ala195Glu (NM_001407065.1); and 2 more; short protein forms A195E, A287E, A290E, A296E, A328E, A331E, A332E, A335E.
Identifiers: ClinVar variation 3071214 (VCV003071214.1), dbSNP rs2147074184, ClinGen allele CA411147225.

ClinVar aggregate classification (germline): Uncertain significance (1 of 4 stars; one submission).

Conditions:
Neurofibromatosis, type 2 (SWNV). Also called: BILATERAL ACOUSTIC NEUROFIBROMATOSIS; NF2-Related Schwannomatosis; SCHWANNOMATOSIS, VESTIBULAR. Identifiers: Orphanet 637, MedGen C0027832, MONDO:0007039, OMIM 101000. Disease mechanism: loss of function.

Submission:

All of Us Research Program, National Institutes of Health
Classification: Uncertain significance for Neurofibromatosis, type 2. Last evaluated: 2023-05-16. Review status: criteria provided, single submitter. Criteria: ACMG Guidelines, 2015. Collection method: clinical testing. Allele origin: germline. Inheritance: Autosomal dominant inheritance. Observed: 1 variant allele, 1 heterozygote.
Comment: This missense variant replaces alanine with glutamic acid at codon 373 of the NF2 protein. Computational prediction suggests that this variant may have deleterious impact on protein structure and function (internally defined REVEL score threshold >= 0.7, PMID: 27666373). To our knowledge, functional studies have not been reported for this variant. This variant has not been reported in individuals affected with NF2-related disorders in the literature. This variant has not been identified in the general population by the Genome Aggregation Database (gnomAD). The available evidence is insufficient to determine the role of this variant in disease conclusively. Therefore, this variant is classified as a Variant of Uncertain Significance.

This study involves interpretation of variants in research participants for the purpose of population health screening. Participant phenotype was not available at the time of variant classification. Additional details can be found in publication PMID: 35346344, PMCID: PMC8962531